The following is an entry in ClinVar:

ClinVar aggregate classification (germline): Uncertain significance (1 of 4 stars; one submission).

Conditions:
Gastrointestinal stromal tumor. Also called: Gastrointestinal stromal tumor, somatic; Gastrointestinal stroma tumor. Identifiers: Orphanet 44890, MedGen C0238198, MeSH D046152, MONDO:0011719, OMIM 606764, HP:0100723.

Submission:

Labcorp Genetics (formerly Invitae), Labcorp
Classification: Uncertain significance for Gastrointestinal stromal tumor. Last evaluated: 2026-01-02. Review status: criteria provided, single submitter. Criteria: Invitae Variant Classification Sherloc (09022015). Collection method: clinical testing. Allele origin: germline.
Comment: This sequence change replaces asparagine, which is neutral and polar, with threonine, which is neutral and polar, at codon 110 of the PDGFRA protein (p.Asn110Thr). This variant is not present in population databases (gnomAD no frequency). This variant has not been reported in the literature in individuals affected with PDGFRA-related conditions. An algorithm developed to predict the effect of missense changes on protein structure and function outputs the following: PolyPhen-2: "Benign". The threonine amino acid residue is found in multiple mammalian species, which suggests that this missense change does not adversely affect protein function. In summary, the available evidence is currently insufficient to determine the role of this variant in disease. Therefore, it has been classified as a Variant of Uncertain Significance.

NM_006206.6(PDGFRA):c.329A>C (p.Asn110Thr)

Gene: PDGFRA (platelet derived growth factor receptor alpha; plus strand). Cytogenetic location: 4q12.
Variant type: single nucleotide variant.
Coding change: c.329A>C on transcript NM_006206.6 (MANE Select); coding-DNA position 329, A replaced by C.
Protein change: p.Asn110Thr; replaces asparagine 110 with threonine.
Molecular consequence: missense variant.
Genome position (GRCh38, 1-based): chr4:54,261,374, A>C. VCF-style: chr4-54261374-A-C. GRCh37 (hg19) VCF-style: chr4-55127541-A-C.
Other names: c.368A>C, p.Asn123Thr (NM_001347830.2); c.329A>C, p.Asn110Thr (NM_001347827.2, NM_001347829.2); c.404A>C, p.Asn135Thr (NM_001347828.2); short protein forms N123T, N135T, N110T.
Identifiers: ClinVar variation 4734582 (VCV004734582.1).
Genomic context (GRCh38, chr4:54,261,374, plus strand): 5'-CCTCGGCGGCCCACACAGGGTTGTACACTTGCTATTACAACCACACTCAGACAGAAGAGA[A>C]TGAGCTTGAAGGCAGGCACATTTACATCTATGTGCCAGGTGAGTTGGCTGGGTCTCCAGG-3'
Protein context (NP_006197.1, residues 100-120): CYYNHTQTEE[Asn110Thr]ELEGRHIYIY